The following is an entry in ClinVar:

ClinVar aggregate classification (germline): Uncertain significance (0 of 4 stars; one submission).

Conditions:
BBS12-related disorder. Also called: BBS12-related condition.

Submission:

PreventionGenetics, part of Exact Sciences
Classification: Uncertain significance for BBS12-related condition. Last evaluated: 2024-09-20. Review status: no assertion criteria provided. Collection method: clinical testing. Allele origin: germline.
Comment: The BBS12 c.1448A>G variant is predicted to result in the amino acid substitution p.Asp483Gly. To our knowledge, this variant has not been reported in the literature. This variant is reported in 0.0058% of alleles in individuals of Latino descent in gnomAD. At this time, the clinical significance of this variant is uncertain due to the absence of conclusive functional and genetic evidence.

NM_152618.3(BBS12):c.1448A>G (p.Asp483Gly)

Gene: BBS12 (Bardet-Biedl syndrome 12; plus strand). Cytogenetic location: 4q27.
Variant type: single nucleotide variant.
Coding change: c.1448A>G on transcript NM_152618.3 (MANE Select); coding-DNA position 1448, A replaced by G.
Protein change: p.Asp483Gly; replaces aspartic acid 483 with glycine.
Molecular consequence: missense variant.
Genome position (GRCh38, 1-based): chr4:122,743,340, A>G. VCF-style: chr4-122743340-A-G. GRCh37 (hg19) VCF-style: chr4-123664495-A-G.
Other names: c.1448A>G, p.Asp483Gly (NM_001178007.2); short protein forms D483G.
Identifiers: ClinVar variation 3351271 (VCV003351271.1).